The following is an entry in ClinVar:

NM_000466.3(PEX1):c.2472G>A (p.Ala824=)

Gene: PEX1 (peroxisomal biogenesis factor 1; minus strand). Cytogenetic location: 7q21.2.
Variant type: single nucleotide variant.
Coding change: c.2472G>A on transcript NM_000466.3 (MANE Select); coding-DNA position 2472, G replaced by A.
Protein change: p.Ala824=; no amino-acid change (alanine 824 retained).
Molecular consequence: synonymous variant.
Genome position (GRCh38, 1-based): chr7:92,501,618, C>T on the plus strand (G>A on the coding strand, the complement: PEX1 is on the minus strand). VCF-style: chr7-92501618-C-T. GRCh37 (hg19) VCF-style: chr7-92130932-C-T.
Other names: c.2472G>A (NM_000466.2); c.2301G>A, p.Ala767= (NM_001282677.2); c.1848G>A, p.Ala616= (NM_001282678.2).
Identifiers: ClinVar variation 1101464 (VCV001101464.11), dbSNP rs764437476, ClinGen allele CA456482573.

ClinVar aggregate classification (germline): Likely benign. Review status: criteria provided, single submitter (1 of 4 stars). 2 submissions from 2 submitters: Likely benign (1). 1 of the submissions does not count toward it. Last evaluated 2024-02-27.

Conditions:
PEX1-related disorder. Also called: PEX1-related condition.
Zellweger spectrum disorders (ZS). Also called: Zellweger syndrome; Zellweger Spectrum Disorder; Zellweger Spectrum; Zellweger Spectrum Disorder (ZSD). Identifiers: Orphanet 912, MedGen C0043459, MONDO:0019609.

Submissions (2):

Labcorp Genetics (formerly Invitae), Labcorp
Classification: Likely benign for Zellweger spectrum disorders. Last evaluated: 2024-02-27. Review status: criteria provided, single submitter. Criteria: Invitae Variant Classification Sherloc (09022015). Collection method: clinical testing. Allele origin: germline.

PreventionGenetics, part of Exact Sciences
Classification: Likely benign for PEX1-related condition. Last evaluated: 2023-03-15. Review status: no assertion criteria provided. Collection method: clinical testing. Allele origin: germline. Not counted in ClinVar's aggregate classification.
Comment: This variant is classified as likely benign based on ACMG/AMP sequence variant interpretation guidelines (Richards et al. 2015 PMID: 25741868, with internal and published modifications).